The following is an entry in ClinVar:

ClinVar aggregate classification (germline): Conflicting classifications of pathogenicity. Review status: criteria provided, conflicting classifications (1 of 4 stars). 11 submissions from 11 submitters: Uncertain significance (4); Benign (1); Likely benign (5). 1 of the submissions does not count toward it. Last evaluated 2026-08-06.

Conditions:
GRN-related disorder. Also called: GRN-related condition; GRN-related disorders.
Inborn genetic diseases. Identifiers: MedGen C0950123, MeSH D030342.
GRN-related frontotemporal lobar degeneration with Tdp43 inclusions (FTD2). Also called: DEMENTIA, HEREDITARY DYSPHASIC DISINHIBITION; FRONTOTEMPORAL LOBAR DEGENERATION WITH UBIQUITIN-POSITIVE INCLUSIONS; FTLD-TDP, GRN-RELATED; FRONTOTEMPORAL DEMENTIA WITH TDP43 INCLUSIONS, GRN-RELATED; GRN Frontotemporal Dementia. Identifiers: Orphanet 100070, Orphanet 282, MedGen C1843792, MONDO:0011842, OMIM 607485. Disease mechanism: loss of function.
Neuronal ceroid lipofuscinosis 11. Also called: GRN-Related Neuronal Ceroid-Lipofuscinosis. Identifiers: Orphanet 314629, Orphanet 79262, MedGen C3539123, MONDO:0013866, OMIM 614706.

Allele frequency attached by ClinVar (database versions not stated): ESP Exome Variant Server 0.00015; TOPMed 0.00020; ExAC 0.00021; gnomAD 0.00021 and 0.00022; gnomAD exomes 0.00025.
gnomAD v4.1: 281 of 1,613,732 alleles (0.017%); highest among the groups gnomAD compares: Middle Eastern, 0.066%; 1 homozygote.

Submissions (11):

OLLIN Analises Genomicas, OLLIN
Classification: Uncertain significance for GRN-related frontotemporal lobar degeneration with Tdp43 inclusions. Last evaluated: 2026-08-06. Review status: criteria provided, single submitter. Criteria: ACMG Guidelines 2015 PMID 25741868. Collection method: clinical testing. Allele origin: germline.
Comment: This missense variant, located in exon 11 (of 13), has been reported in ClinVar (accession VCV000098178.26) and in gnomAD with an allele frequency of 0.017%. However, to our knowledge, it has not been reported in the scientific literature. In silico analysis predicts that this variant has a tolerated effect. According to the currently available evidence, this variant has been classified as uncertain significance (BP4).

Labcorp Genetics (formerly Invitae), Labcorp
Classification: Likely benign for Neuronal ceroid lipofuscinosis 11; GRN-related frontotemporal lobar degeneration with Tdp43 inclusions. Last evaluated: 2026-02-01. Review status: criteria provided, single submitter. Criteria: Invitae Variant Classification Sherloc (09022015). Collection method: clinical testing. Allele origin: germline.

PreventionGenetics, part of Exact Sciences
Classification: Likely benign for GRN-related condition. Last evaluated: 2025-08-14. Review status: criteria provided, single submitter. Criteria: ACMG Guidelines, 2015. Collection method: clinical testing. Allele origin: germline.
Comment: This variant is classified as likely benign based on ACMG/AMP sequence variant interpretation guidelines (Richards et al. 2015 PMID: 25741868, with internal and published modifications).

Athena Diagnostics
Classification: Benign. Last evaluated: 2025-05-28. Review status: criteria provided, single submitter. Criteria: Athena Diagnostics Criteria. Collection method: clinical testing. Allele origin: unknown.
Comment: The frequency of this variant in the general population is higher than would generally be expected for pathogenic variants in this gene.

Mayo Clinic Laboratories, Mayo Clinic
Classification: Likely benign. Last evaluated: 2025-03-26. Review status: criteria provided, single submitter. Criteria: ACMG Guidelines, 2015. Collection method: clinical testing. Allele origin: germline. Observed: 1 variant allele.
Comment: BS1, BP4_moderate

GeneDx
Classification: Uncertain significance. Last evaluated: 2025-03-14. Review status: criteria provided, single submitter. Criteria: GeneDx Variant Classification Process June 2021. Collection method: clinical testing. Allele origin: germline. Affected: yes.
Comment: Reported previously in both patients with ALS and FTD and in healthy controls in published literature (PMID: 20142524, 16950801, 18184915, 17436289, 17345602, 19204154); In silico analysis indicates that this missense variant does not alter protein structure/function; This variant is associated with the following publications: (PMID: 17228326, 32317127, 29956270, 16950801, 18543312, 18184915, 19204154, 17436289, 17345602, 32483926, 20142524, 38203682)

Ambry Genetics
Classification: Likely benign for Inborn genetic diseases. Last evaluated: 2022-03-25. Review status: criteria provided, single submitter. Criteria: Ambry Variant Classification Scheme 2023. Collection method: clinical testing. Allele origin: germline.

Fulgent Genetics
Classification: Uncertain significance for GRN-related frontotemporal lobar degeneration with Tdp43 inclusions; Neuronal ceroid lipofuscinosis 11. Last evaluated: 2018-10-31. Review status: criteria provided, single submitter. Criteria: ACMG Guidelines, 2015. Collection method: clinical testing. Allele origin: unknown.

Illumina Laboratory Services, Illumina
Classification: Likely benign for GRN-related frontotemporal lobar degeneration with Tdp43 inclusions. Last evaluated: 2017-04-28. Review status: criteria provided, single submitter. Criteria: ICSL Variant Classification Criteria 13 December 2019. Collection method: clinical testing. Allele origin: germline.
Comment: This variant was observed as part of a predisposition screen in an ostensibly healthy population. A literature search was performed for the gene, cDNA change, and amino acid change (where applicable). Publications were found based on this search. The evidence from the literature, in combination with allele frequency data from public databases where available, was sufficient to determine this variant is unlikely to cause disease. Therefore, this variant is classified as likely benign.

Eurofins Ntd Llc (ga)
Classification: Uncertain significance. Last evaluated: 2016-07-20. Review status: criteria provided, single submitter. Criteria: EGL Classification Definitions 2015. Collection method: clinical testing. Allele origin: germline. Observed: 1 variant allele, 1 heterozygote.

VIB  Department of Molecular Genetics, University of Antwerp
No classification provided. Review status: no classification provided. Collection method: not provided. Allele origin: unknown. Not counted in ClinVar's aggregate classification.

Literature cited by the submitters: PubMed 18184915 (cited by 3 submitters); PubMed 32317127 (cited by Athena Diagnostics and Mayo Clinic Laboratories, Mayo Clinic); PubMed 20142524 (cited by 3 submitters); PubMed 17436289 (cited by Athena Diagnostics and Illumina Laboratory Services, Illumina); PubMed 17345602 (cited by Athena Diagnostics and Illumina Laboratory Services, Illumina); PubMed 18543312 (cited by Athena Diagnostics); PubMed 17228326 (cited by Athena Diagnostics and Mayo Clinic Laboratories, Mayo Clinic); PubMed 16950801 (cited by Athena Diagnostics and Mayo Clinic Laboratories, Mayo Clinic); PubMed 19204154 (cited by Mayo Clinic Laboratories, Mayo Clinic); PubMed 32483926 (cited by Mayo Clinic Laboratories, Mayo Clinic); PubMed 38203682 (cited by Mayo Clinic Laboratories, Mayo Clinic).

NM_002087.4(GRN):c.1253G>A (p.Arg418Gln)

Gene: GRN (granulin precursor; plus strand). Cytogenetic location: 17q21.31.
Variant type: single nucleotide variant.
Coding change: c.1253G>A on transcript NM_002087.4 (MANE Select); coding-DNA position 1253, G replaced by A.
Protein change: p.Arg418Gln; replaces arginine 418 with glutamine.
Molecular consequence: missense variant.
Genome position (GRCh38, 1-based): chr17:44,352,088, G>A. VCF-style: chr17-44352088-G-A. GRCh37 (hg19) VCF-style: chr17-42429456-G-A.
Other names: p.Arg418Gln; short protein forms R418Q.
Identifiers: ClinVar variation 98178 (VCV000098178.27), dbSNP rs63751100, ClinGen allele CA225330.
Genomic context (GRCh38, chr17:44,352,088, plus strand): 5'-CGGACCACCAGCACTGCTGCCCCCAGGGCTACACGTGTGTAGCTGAGGGGCAGTGTCAGC[G>A]AGGAAGCGAGATCGTGGCTGGACTGGAGAAGATGCCTGCCCGCCGGGCTTCCTTATCCCA-3'
Protein context (NP_002078.1, residues 408-428): YTCVAEGQCQ[Arg418Gln]GSEIVAGLEK